The following is an entry in ClinVar:

NM_176787.5(PIGN):c.629T>G (p.Leu210Ter)

Gene: PIGN (phosphatidylinositol glycan anchor biosynthesis class N; minus strand). Cytogenetic location: 18q21.33.
Variant type: single nucleotide variant.
Coding change: c.629T>G on transcript NM_176787.5 (MANE Select); coding-DNA position 629, T replaced by G.
Protein change: p.Leu210Ter; replaces leucine 210 with a stop codon.
Molecular consequence: nonsense.
Genome position (GRCh38, 1-based): chr18:62,148,259, A>C on the plus strand (T>G on the coding strand, the complement: PIGN is on the minus strand). VCF-style: chr18-62148259-A-C. GRCh37 (hg19) VCF-style: chr18-59815492-A-C.
Other names: c.629T>G, p.Leu210Ter (NM_012327.6); short protein forms L210*.
Identifiers: ClinVar variation 2858959 (VCV002858959.4), dbSNP rs1055831008, ClinGen allele CA301686049.

ClinVar aggregate classification (germline): Pathogenic. Review status: criteria provided, multiple submitters, no conflicts (2 of 4 stars). 2 submissions from 2 submitters: Pathogenic (2). Last evaluated 2025-06-09.

Conditions:
Multiple congenital anomalies-hypotonia-seizures syndrome 1 (MCAHS1). Also called: GLYCOSYLPHOSPHATIDYLINOSITOL BIOSYNTHESIS DEFECT 3; PIGN-CDG; Congenital disorder of glycosylation due to PIGN deficiency. Identifiers: Orphanet 280633, MedGen C3279775, MONDO:0013563, OMIM 614080.

gnomAD v4.1: 1 of 1,538,726 alleles (0.000065%); highest among the groups gnomAD compares: Non-Finnish European, 0.000088%; no homozygotes.

Submissions (2):

Laboratorio de Genetica e Diagnostico Molecular, Hospital Israelita Albert Einstein
Classification: Pathogenic for Multiple congenital anomalies-hypotonia-seizures syndrome 1. Last evaluated: 2025-06-09. Review status: criteria provided, single submitter. Criteria: ACMG Guidelines, 2015. Collection method: clinical testing. Allele origin: germline. Affected: yes.
Comment: ACMG classification criteria: PVS1 very strong, PM2 supporting, PM3 supporting

Labcorp Genetics (formerly Invitae), Labcorp
Classification: Pathogenic for Multiple congenital anomalies-hypotonia-seizures syndrome 1. Last evaluated: 2023-07-04. Review status: criteria provided, single submitter. Criteria: Invitae Variant Classification Sherloc (09022015). Collection method: clinical testing. Allele origin: germline.
Comment: For these reasons, this variant has been classified as Pathogenic. Algorithms developed to predict the effect of sequence changes on RNA splicing suggest that this variant may disrupt the consensus splice site. This variant has not been reported in the literature in individuals affected with PIGN-related conditions. This variant is not present in population databases (gnomAD no frequency). This sequence change creates a premature translational stop signal (p.Leu210*) in the PIGN gene. It is expected to result in an absent or disrupted protein product. Loss-of-function variants in PIGN are known to be pathogenic (PMID: 24253414, 27038415).

Literature cited by the submitters: PubMed 24253414 (cited by Labcorp Genetics (formerly Invitae), Labcorp); PubMed 27038415 (cited by Labcorp Genetics (formerly Invitae), Labcorp).